The following is an entry in ClinVar:

NM_000878.5(IL2RB):c.1130C>G (p.Ala377Gly)

Gene: IL2RB (interleukin 2 receptor subunit beta; minus strand). Cytogenetic location: 22q12.3.
Variant type: single nucleotide variant.
Coding change: c.1130C>G on transcript NM_000878.5 (MANE Select); coding-DNA position 1130, C replaced by G.
Protein change: p.Ala377Gly; replaces alanine 377 with glycine.
Molecular consequence: missense variant.
Genome position (GRCh38, 1-based): chr22:37,128,622, G>C on the plus strand (C>G on the coding strand, the complement: IL2RB is on the minus strand). VCF-style: chr22-37128622-G-C. GRCh37 (hg19) VCF-style: chr22-37524662-G-C.
Other names: p.Ala377Gly; c.1130C>G (NM_000878.2); c.1130C>G, p.Ala377Gly (NM_001346222.1, NM_001346223.2); short protein forms A377G.
Identifiers: ClinVar variation 1036367 (VCV001036367.8), dbSNP rs149497090, ClinGen allele CA10216413.

ClinVar aggregate classification (germline): Conflicting classifications of pathogenicity. Review status: criteria provided, conflicting classifications (1 of 4 stars). 5 submissions from 5 submitters: Uncertain significance (4); Likely benign (1). Last evaluated 2024-10-23.

Allele frequency attached by ClinVar (database versions not stated): TOPMed 0.00014; gnomAD 0.00016 and 0.00018; ExAC 0.00022; ESP Exome Variant Server 0.00023; gnomAD exomes 0.00023; 1000 Genomes Project 0.00040; 1000 Genomes Project 30x 0.00047.
gnomAD v4.1: 278 of 1,614,096 alleles (0.017%); highest among the groups gnomAD compares: South Asian, 0.036%; no homozygotes.

Submissions (5):

Blueprint Genetics
Classification: Likely benign. Last evaluated: 2024-10-23. Review status: criteria provided, single submitter. Criteria: ACMG Guidelines, 2015. Collection method: clinical testing. Allele origin: germline.

Mayo Clinic Laboratories, Mayo Clinic
Classification: Uncertain significance. Last evaluated: 2023-09-20. Review status: criteria provided, single submitter. Criteria: ACMG Guidelines, 2015. Collection method: clinical testing. Allele origin: germline. Observed: 1 variant allele.
Comment: BP4

Labcorp Genetics (formerly Invitae), Labcorp
Classification: Uncertain significance. Last evaluated: 2022-09-19. Review status: criteria provided, single submitter. Criteria: Invitae Variant Classification Sherloc (09022015). Collection method: clinical testing. Allele origin: germline.
Comment: This sequence change replaces alanine, which is neutral and non-polar, with glycine, which is neutral and non-polar, at codon 377 of the IL2RB protein (p.Ala377Gly). This variant is present in population databases (rs149497090, gnomAD 0.04%). This variant has not been reported in the literature in individuals affected with IL2RB-related conditions. ClinVar contains an entry for this variant (Variation ID: 1036367). Algorithms developed to predict the effect of missense changes on protein structure and function are either unavailable or do not agree on the potential impact of this missense change (SIFT: "Tolerated"; PolyPhen-2: "Possibly Damaging"; Align-GVGD: "Class C0"). In summary, the available evidence is currently insufficient to determine the role of this variant in disease. Therefore, it has been classified as a Variant of Uncertain Significance.

Ambry Genetics
Classification: Uncertain significance. Last evaluated: 2021-07-09. Review status: criteria provided, single submitter. Criteria: Ambry Variant Classification Scheme 2023. Collection method: clinical testing. Allele origin: germline.

Breakthrough Genomics
Classification: Uncertain significance. Review status: criteria provided, single submitter. Criteria: ACMG Guidelines, 2015. Collection method: not provided. Allele origin: germline. Inheritance: Autosomal dominant inheritance. Affected: yes.